The following is an entry in ClinVar:

ClinVar aggregate classification (germline): Uncertain significance (1 of 4 stars; one submission).

Allele frequency attached by ClinVar (database versions not stated): TOPMed below 0.00001; ExAC 0.00001; gnomAD 0.00001; gnomAD exomes 0.00001.

Submission:

Labcorp Genetics (formerly Invitae), Labcorp
Classification: Uncertain significance. Last evaluated: 2020-03-16. Review status: criteria provided, single submitter. Criteria: Invitae Variant Classification Sherloc (09022015). Collection method: clinical testing. Allele origin: germline.
Comment: In summary, the available evidence is currently insufficient to determine the role of this variant in disease. Therefore, it has been classified as a Variant of Uncertain Significance. Algorithms developed to predict the effect of missense changes on protein structure and function are either unavailable or do not agree on the potential impact of this missense change (SIFT: "Not Available"; PolyPhen-2: "Benign"; Align-GVGD: "Not Available"). This variant has not been reported in the literature in individuals with FN1-related conditions. This variant is present in population databases (rs751234033, ExAC 0.002%). This sequence change replaces proline with leucine at codon 42 of the FN1 protein (p.Pro42Leu). The proline residue is weakly conserved and there is a moderate physicochemical difference between proline and leucine.

NM_212482.4(FN1):c.125C>T (p.Pro42Leu)

Gene: FN1 (fibronectin 1; minus strand). Cytogenetic location: 2q35.
Variant type: single nucleotide variant.
Coding change: c.125C>T on transcript NM_212482.4 (MANE Select); coding-DNA position 125, C replaced by T.
Protein change: p.Pro42Leu; replaces proline 42 with leucine.
Molecular consequence: missense variant.
Genome position (GRCh38, 1-based): chr2:215,435,678, G>A on the plus strand (C>T on the coding strand, the complement: FN1 is on the minus strand). VCF-style: chr2-215435678-G-A. GRCh37 (hg19) VCF-style: chr2-216300401-G-A.
Other names: c.125C>T, p.Pro42Leu (NM_001306129.2, NM_001306130.2, NM_001306131.2 and 14 more transcripts); short protein forms P42L.
Identifiers: ClinVar variation 1021366 (VCV001021366.7), dbSNP rs751234033, ClinGen allele CA2095681.
Genomic context (GRCh38, chr2:215,435,678, plus strand): 5'-CTGAGGCAGCCTGTTTCAGCCCGCGGTCAGTACTCACGCTTGCTTTGACTGACAGCCACC[G>A]GGGACTGGGGCTGAACCATTTGCTGAGCCTGCCTCTTGCTCTTCGAGGCTCCCGTGGAGG-3'
Protein context (NP_997647.2, residues 32-52): QAQQMVQPQS[Pro42Leu]VAVSQSKPGC